The following is an entry in ClinVar:

ClinVar aggregate classification (germline): Likely benign (1 of 4 stars; one submission).

Submission:

GeneDx
Classification: Likely benign. Last evaluated: 2017-10-04. Review status: criteria provided, single submitter. Criteria: GeneDx Variant Classification (06012015). Collection method: clinical testing. Allele origin: germline. Affected: yes.
Comment: This variant is considered likely benign or benign based on one or more of the following criteria: it is a conservative change, it occurs at a poorly conserved position in the protein, it is predicted to be benign by multiple in silico algorithms, and/or has population frequency not consistent with disease.

NM_130839.5(UBE3A):c.2499-5_2499-2del

Genes: SNHG14 (small nucleolar RNA host gene 14; plus strand), UBE3A (ubiquitin protein ligase E3A; minus strand). Cytogenetic location: 15q11.2.
Variant type: Deletion.
Coding change: c.2499-5_2499-2del on transcript NM_130839.5 (MANE Select); 5 bases into the intron before coding-DNA position 2499 through the canonical splice acceptor site of the intron before coding-DNA position 2499, 4 bases deleted (TTTA; older notation c.2499-5_2499-2delTTTA).
Molecular consequence: splice acceptor variant.
Genome position (GRCh38, 1-based): chr15:25,339,259-25,339,262, TAAA deleted on the plus strand (TTTA on the coding strand, the reverse complement: UBE3A is on the minus strand); deleting any 4 consecutive bases within chr15:25,339,259-25,339,264 gives the same sequence; the c. name uses the placement nearest the transcript's 3' end. VCF-style (leftmost placement, unchanged base first): chr15-25339258-CTAAA-C. GRCh37 (hg19) VCF-style: chr15-25584405-CTAAA-C.
Other names: c.2322-5_2322-2del (NM_001354546.2); c.1188-5_1188-2del (NM_001354551.2); c.2274-5_2274-2del (NM_001354549.2); c.2283-5_2283-2del (NM_001354548.2, NM_001354547.2); c.2439-5_2439-2del (NM_130838.4, NM_001354542.2, NM_001354523.2 and 14 more transcripts); c.1248-5_1248-2del (NM_001354550.2); c.2343-5_2343-2del (NM_001354545.2); c.2499-5_2499-2del (NM_001354538.2, NM_001354505.1); and 2 more.
Identifiers: ClinVar variation 512645 (VCV000512645.1), dbSNP rs1555379927, ClinGen allele CA658798289.